The following is an entry in ClinVar:

ClinVar aggregate classification (germline): Uncertain significance (1 of 4 stars; one submission).

Conditions:
DK1-congenital disorder of glycosylation. Also called: CONGENITAL DISORDER OF GLYCOSYLATION, TYPE Im; DOLK-congenital disorder of glycosylation; Carbohydrate deficient glycoprotein syndrome type 1m; CDG Im; DK1 DEFICIENCY; DOLICHOL KINASE DEFICIENCY. Identifiers: Orphanet 91131, MedGen C1835849, MONDO:0012556, OMIM 610768.

Submission:

Labcorp Genetics (formerly Invitae), Labcorp
Classification: Uncertain significance for DK1-congenital disorder of glycosylation. Last evaluated: 2022-03-19. Review status: criteria provided, single submitter. Criteria: Invitae Variant Classification Sherloc (09022015). Collection method: clinical testing. Allele origin: germline.
Comment: This variant, c.690_692del, results in the deletion of 1 amino acid(s) of the DOLK protein (p.Val232del), but otherwise preserves the integrity of the reading frame. This variant is not present in population databases (gnomAD no frequency). This variant has not been reported in the literature in individuals affected with DOLK-related conditions. Experimental studies and prediction algorithms are not available or were not evaluated, and the functional significance of this variant is currently unknown. In summary, the available evidence is currently insufficient to determine the role of this variant in disease. Therefore, it has been classified as a Variant of Uncertain Significance.

NM_014908.4(DOLK):c.684GGT[2] (p.Val232del)

Gene: DOLK (dolichol kinase; minus strand). Cytogenetic location: 9q34.11.
Variant type: Microsatellite.
Coding change: c.684GGT[2] on transcript NM_014908.4 (MANE Select); two copies in a row of the 3-base unit GGT starting at c.684; the reference has three copies in a row; one copy, 3 bases deleted.
Protein change: p.Val232del; deletes valine 232.
Molecular consequence: inframe deletion.
Genome position (GRCh38, 1-based): chr9:128,946,612-128,946,614, ACC deleted on the plus strand (GGT on the coding strand, the reverse complement: DOLK is on the minus strand); deleting any 3 consecutive bases within chr9:128,946,612-128,946,621 gives the same sequence; the position shown is the placement nearest the transcript's 3' end. VCF-style (leftmost placement, unchanged base first): chr9-128946611-TACC-T. GRCh37 (hg19) VCF-style: chr9-131708890-TACC-T.
Other names: short protein forms V232del.
Identifiers: ClinVar variation 1004514 (VCV001004514.9), dbSNP rs1841674220, ClinGen allele CA1880527140.